The following is an entry in ClinVar:

NM_005529.7(HSPG2):c.87C>T (p.Tyr29=)

Gene: HSPG2 (heparan sulfate proteoglycan 2; minus strand). Cytogenetic location: 1p36.12.
Variant type: single nucleotide variant.
Coding change: c.87C>T on transcript NM_005529.7 (MANE Select); coding-DNA position 87, C replaced by T.
Protein change: p.Tyr29=; no amino-acid change (tyrosine 29 retained).
Molecular consequence: synonymous variant.
Genome position (GRCh38, 1-based): chr1:21,896,287, G>A on the plus strand (C>T on the coding strand, the complement: HSPG2 is on the minus strand). VCF-style: chr1-21896287-G-A. GRCh37 (hg19) VCF-style: chr1-22222780-G-A.
Other names: c.87C>T (NM_005529.6); c.87C>T, p.Tyr29= (NM_001291860.2).
Identifiers: ClinVar variation 1170332 (VCV001170332.15), dbSNP rs368430410, ClinGen allele CA674034.
Genomic context (GRCh38, chr1:21,896,287, plus strand): 5'-TGTCCAGCGCATTTGGCTTGCTGTGACGGTCTCTATGTCCTCAGGCAGAGACAAGCCATC[G>A]TATGCCCTCAGCCCATGGGTCACCTGTAAGCAAACGAGAGCTGATTGAGTCACTCTCTCC-3'
Protein context (NP_005520.4, residues 19-39): LLAVTHGLRA[Tyr29=]DGLSLPEDIE

ClinVar aggregate classification (germline): Benign/Likely benign. Review status: criteria provided, multiple submitters, no conflicts (2 of 4 stars). 3 submissions from 3 submitters: Benign (1); Likely benign (1). 1 of the submissions does not count toward it. Last evaluated 2026-01-01.

Conditions:
HSPG2-related disorder. Also called: HSPG2-related condition; HSPG2-related disorders.

Allele frequency attached by ClinVar (database versions not stated): TOPMed 0.00003; gnomAD exomes 0.00049 and 0.00022; ExAC 0.00031; ESP Exome Variant Server 0.00008; 1000 Genomes Project 30x 0.00016; 1000 Genomes Project 0.00020; gnomAD 0.00031 and 0.00036.
gnomAD v4.1: 359 of 1,613,526 alleles (0.022%); highest among the groups gnomAD compares: Middle Eastern, 0.017%; 1 homozygote.

Submissions (3):

CeGaT Center for Human Genetics Tuebingen
Classification: Likely benign. Last evaluated: 2026-01-01. Review status: criteria provided, single submitter. Criteria: CeGaT Center For Human Genetics Tuebingen Variant Classification Criteria Version 2. Collection method: clinical testing. Allele origin: germline. Affected: yes. Observed: 1 variant allele.
Comment: HSPG2: BP4, BP7

Labcorp Genetics (formerly Invitae), Labcorp
Classification: Benign. Last evaluated: 2022-07-14. Review status: criteria provided, single submitter. Criteria: Invitae Variant Classification Sherloc (09022015). Collection method: clinical testing. Allele origin: germline.

PreventionGenetics, part of Exact Sciences
Classification: Likely benign for HSPG2-related condition. Last evaluated: 2019-06-25. Review status: no assertion criteria provided. Collection method: clinical testing. Allele origin: germline. Not counted in ClinVar's aggregate classification.
Comment: This variant is classified as likely benign based on ACMG/AMP sequence variant interpretation guidelines (Richards et al. 2015 PMID: 25741868, with internal and published modifications).